The following is an entry in ClinVar:

NM_000088.4(COL1A1):c.4005+1G>T

Gene: COL1A1 (collagen type I alpha 1 chain; minus strand). Cytogenetic location: 17q21.33.
Variant type: single nucleotide variant.
Coding change: c.4005+1G>T on transcript NM_000088.4 (MANE Select); the canonical splice donor site of the intron after coding-DNA position 4005, G replaced by T.
Molecular consequence: splice donor variant.
Genome position (GRCh38, 1-based): chr17:50,186,316, C>A on the plus strand (G>T on the coding strand, the complement: COL1A1 is on the minus strand). VCF-style: chr17-50186316-C-A. GRCh37 (hg19) VCF-style: chr17-48263677-C-A.
Identifiers: ClinVar variation 4733831 (VCV004733831.1).

ClinVar aggregate classification (germline): Pathogenic (1 of 4 stars; one submission).

Conditions:
Osteogenesis imperfecta type I (OI1). Also called: Osteogenesis imperfecta type 1; Lobstein's Disease; OI, TYPE I; OSTEOGENESIS IMPERFECTA TARDA; OSTEOGENESIS IMPERFECTA WITH BLUE SCLERAE; Lobstein disease. Identifiers: Orphanet 216796, Orphanet 666, MedGen C0023931, MONDO:0008146, OMIM 166200. Disease mechanism: loss of function.

Submission:

Labcorp Genetics (formerly Invitae), Labcorp
Classification: Pathogenic for Osteogenesis imperfecta type I. Last evaluated: 2025-12-28. Review status: criteria provided, single submitter. Criteria: Invitae Variant Classification Sherloc (09022015). Collection method: clinical testing. Allele origin: germline.
Comment: This sequence change affects a donor splice site in intron 49 of the COL1A1 gene. It is expected to disrupt RNA splicing. Variants that disrupt the donor or acceptor splice site typically lead to a loss of protein function (PMID: 16199547), and loss-of-function variants in COL1A1 are known to be pathogenic (PMID: 7942841, 9295084, 9443882). This variant is not present in population databases (gnomAD no frequency). Disruption of this splice site has been observed in individual(s) with osteogenesis imperfecta (PMID: 25963598). Algorithms developed to predict the effect of sequence changes on RNA splicing suggest that this variant may disrupt the consensus splice site. For these reasons, this variant has been classified as Pathogenic.

Literature cited by the submitters: PubMed 16199547; PubMed 7942841; PubMed 9295084; PubMed 9443882; PubMed 25963598.